The following continues an entry in ClinVar:

NM_020975.6(RET):c.2071G>A (p.Gly691Ser)

Gene: RET. ClinVar aggregate classification (germline): Conflicting classifications of pathogenicity. Uncertain significance (1); Benign (19); Likely benign (5).

Submissions 22 to 34 of 34:

Ambry Genetics
Classification: Benign for Hereditary cancer-predisposing syndrome. Last evaluated: 2014-11-19. Review status: criteria provided, single submitter. Criteria: Ambry Variant Classification Scheme 2023. Collection method: clinical testing. Allele origin: germline.

Eurofins Ntd Llc (ga)
Classification: Benign. Last evaluated: 2014-01-31. Review status: criteria provided, single submitter. Criteria: EGL Classification Definitions 2015. Collection method: clinical testing. Allele origin: germline. Observed: 37 variant alleles, 27 heterozygotes, 10 homozygotes.

Laboratory for Molecular Medicine, Mass General Brigham Personalized Medicine
Classification: Benign. Last evaluated: 2013-03-11. Review status: criteria provided, single submitter. Criteria: LMM Criteria. Collection method: clinical testing. Allele origin: germline. Observed: 37 variant alleles.
Comment: Gly691Ser in exon 11 of RET: This variant is not expected to have clinical signi ficance because it has been identified in 21% (276/1321) chromosomes from a broa d, though clinically and racially unspecified population (dbSNP rs1799939).

PreventionGenetics, part of Exact Sciences
Classification: Benign. Review status: criteria provided, single submitter. Criteria: ACMG Guidelines, 2015. Collection method: clinical testing. Allele origin: germline.

ITMI
No classification provided. Condition: AllHighlyPenetrant. Last evaluated: 2013-09-19. Review status: no classification provided. Collection method: reference population. Allele origin: germline. Not counted in ClinVar's aggregate classification.
Comment: Please see associated publication for description of ethnicities

Biesecker Lab/Clinical Genomics Section, National Institutes of Health
Classification: Benign. Last evaluated: 2012-07-13. Review status: no assertion criteria provided. Collection method: research. Allele origin: germline. Affected: no. Observed: 208 variant alleles. Study: ClinSeq. Not counted in ClinVar's aggregate classification.
ClinVar note: Converted during submission from no known pathogenicity to Benign.

Clinical Genetics DNA and cytogenetics Diagnostics Lab, Erasmus MC, Erasmus Medical Center
Classification: Benign. Review status: no assertion criteria provided. Collection method: clinical testing. Allele origin: germline. Affected: yes. Study: VKGL Data-share Consensus. Not counted in ClinVar's aggregate classification.

Diagnostic Laboratory, Department of Genetics, University Medical Center Groningen
Classification: Benign. Review status: no assertion criteria provided. Collection method: clinical testing. Allele origin: germline. Affected: yes. Study: VKGL Data-share Consensus. Not counted in ClinVar's aggregate classification.

Dr. Peter K. Rogan Lab, Western University
No classification provided (evidence only). Condition: Malignant lymphoma, large B-cell, diffuse. Review status: no classification provided. Collection method: in vitro. Allele origin: not applicable. Functional consequence: retained intron. Not counted in ClinVar's aggregate classification.

Dr. Peter K. Rogan Lab, Western University
No classification provided (evidence only). Condition: Uterine carcinosarcoma. Review status: no classification provided. Collection method: in vitro. Allele origin: not applicable. Functional consequence: retained intron. Not counted in ClinVar's aggregate classification.

Dr. Peter K. Rogan Lab, Western University
No classification provided (evidence only). Condition: Uterine carcinosarcoma. Review status: no classification provided. Collection method: in vitro. Allele origin: not applicable. Functional consequence: retained intron. Not counted in ClinVar's aggregate classification.

Dr. Peter K. Rogan Lab, Western University
No classification provided (evidence only). Condition: Uterine carcinosarcoma. Review status: no classification provided. Collection method: in vitro. Allele origin: not applicable. Functional consequence: retained intron. Not counted in ClinVar's aggregate classification.

Joint Genome Diagnostic Labs from Nijmegen and Maastricht, Radboudumc and MUMC+
Classification: Benign. Review status: no assertion criteria provided. Collection method: clinical testing. Allele origin: germline. Affected: yes. Study: VKGL Data-share Consensus. Not counted in ClinVar's aggregate classification.

Literature cited by the submitters: PubMed 24728327 (cited by ITMI).